The following is an entry in ClinVar:

ClinVar aggregate classification (germline): drug response (0 of 4 stars; one submission).

Conditions:
Tyrosine kinase inhibitor response. Also called: Protein-tyrosine kinase inhibitor response. Identifiers: MedGen CN225347.

Submission:

Laboratory for Molecular Medicine, Mass General Brigham Personalized Medicine
Classification: drug response for Tyrosine kinase inhibitor response. Last evaluated: 2008-01-02. Review status: no assertion criteria provided. Collection method: clinical testing. Allele origin: somatic. Observed: 1 variant allele.
Comment: (contact laboratory)

NM_005228.5(EGFR):c.2232_2250del (p.Lys745fs)

Gene: EGFR (epidermal growth factor receptor; plus strand). Cytogenetic location: 7p11.2.
Variant type: Deletion.
Coding change: c.2232_2250del on transcript NM_005228.5 (MANE Select); coding-DNA positions 2232 to 2250, 19 bases deleted (CAAGGAATTAAGAGAAGCA).
Protein change: p.Lys745fs; shifts the reading frame from lysine 745.
Molecular consequence: frameshift variant.
Genome position (GRCh38, 1-based): chr7:55,174,769-55,174,787, CAAGGAATTAAGAGAAGCA deleted. VCF-style (leftmost placement, unchanged base first): chr7-55174768-TCAAGGAATTAAGAGAAGCA-T. GRCh37 (hg19) VCF-style: chr7-55242461-TCAAGGAATTAAGAGAAGCA-T.
Other names: c.2097_2115del, p.Lys700fs (NM_001346897.2, NM_001346899.2); c.2232_2250del, p.Lys745fs (NM_001346898.2); c.2073_2091del, p.Lys692fs (NM_001346900.2); c.1431_1449del, p.Lys478fs (NM_001346941.2); short protein forms K692fs, K700fs, K745fs, K478fs.
Identifiers: ClinVar variation 177787 (VCV000177787.4), dbSNP rs727504324, ClinGen allele CA180767.